The following is an entry in ClinVar:

NM_007315.4(STAT1):c.877C>A (p.Pro293Thr)

Gene: STAT1 (signal transducer and activator of transcription 1; minus strand). Cytogenetic location: 2q32.2.
Variant type: single nucleotide variant.
Coding change: c.877C>A on transcript NM_007315.4 (MANE Select); coding-DNA position 877, C replaced by A.
Protein change: p.Pro293Thr; replaces proline 293 with threonine.
Molecular consequence: missense variant. On other transcripts: intron variant (1).
Genome position (GRCh38, 1-based): chr2:190,995,128, G>T on the plus strand (C>A on the coding strand, the complement: STAT1 is on the minus strand). VCF-style: chr2-190995128-G-T. GRCh37 (hg19) VCF-style: chr2-191859854-G-T.
Other names: c.877C>A, p.Pro293Thr (NM_001384880.1, NM_001384882.1, NM_001384886.1 and 4 more transcripts); c.883C>A, p.Pro295Thr (NM_001384881.1, NM_001384884.1); c.778C>A, p.Pro260Thr (NM_001384883.1); c.787C>A, p.Pro263Thr (NM_001384890.1); c.913C>A, p.Pro305Thr (NM_001384891.1); c.785+2728C>A (NM_001384885.1); short protein forms P295T, P263T, P293T, P260T, P305T.
Identifiers: ClinVar variation 2925338 (VCV002925338.3), dbSNP rs2125062189, ClinGen allele CA349921673.

ClinVar aggregate classification (germline): Uncertain significance (1 of 4 stars; one submission).

Conditions:
Mendelian susceptibility to mycobacterial diseases due to partial STAT1 deficiency. Also called: IMMUNODEFICIENCY 31A, MYCOBACTERIOSIS, AUTOSOMAL DOMINANT; STAT1 DEFICIENCY, AUTOSOMAL DOMINANT; Immunodeficiency 31a. Identifiers: Orphanet 319595, MedGen C4013950, MONDO:0013956, OMIM 614892.
Immunodeficiency 31B. Also called: STAT1 DEFICIENCY, AUTOSOMAL RECESSIVE; IMMUNODEFICIENCY 31B, MYCOBACTERIAL AND VIRAL INFECTIONS, AUTOSOMAL RECESSIVE. Identifiers: Orphanet 391311, MedGen C3151088, MONDO:0013427, OMIM 613796.
Autoimmune enteropathy and endocrinopathy - susceptibility to chronic infections syndrome. Also called: Immunodeficiency 31C; Immunodeficiency 31C, autosomal dominant. Identifiers: Orphanet 391487, MedGen C3279990, MONDO:0013599, OMIM 614162.

Submission:

Labcorp Genetics (formerly Invitae), Labcorp
Classification: Uncertain significance for Mendelian susceptibility to mycobacterial diseases due to partial STAT1 deficiency; Immunodeficiency 31B; Autoimmune enteropathy and endocrinopathy - susceptibility to chronic infections syndrome. Last evaluated: 2023-08-21. Review status: criteria provided, single submitter. Criteria: Invitae Variant Classification Sherloc (09022015). Collection method: clinical testing. Allele origin: germline.
Comment: This sequence change replaces proline, which is neutral and non-polar, with threonine, which is neutral and polar, at codon 293 of the STAT1 protein (p.Pro293Thr). This variant is not present in population databases (gnomAD no frequency). This missense change has been observed in individual(s) with clinical features of STAT1-related conditions (PMID: 27114460). An algorithm developed to predict the effect of missense changes on protein structure and function (PolyPhen-2) suggests that this variant is likely to be disruptive. In summary, the available evidence is currently insufficient to determine the role of this variant in disease. Therefore, it has been classified as a Variant of Uncertain Significance.

Literature cited by the submitters: PubMed 27114460.